The following is an entry in ClinVar:

ClinVar aggregate classification (germline): Benign/Likely benign. Review status: criteria provided, multiple submitters, no conflicts (2 of 4 stars). 5 submissions from 5 submitters: Benign (1); Likely benign (3). 1 of the submissions does not count toward it. Last evaluated 2026-01-28.

Conditions:
NALCN-related disorder. Also called: NALCN-related condition; NALCN-related disorders.

Allele frequency attached by ClinVar (database versions not stated): gnomAD exomes 0.00022 and 0.00066; ExAC 0.00087; gnomAD 0.00259 and 0.00273; TOPMed 0.00300; ESP Exome Variant Server 0.00323; 1000 Genomes Project 0.00479; 1000 Genomes Project 30x 0.00547.
gnomAD v4.1: 726 of 1,610,212 alleles (0.045%); highest among the groups gnomAD compares: African/African-American, 0.85%; 2 homozygotes.

Submissions (5):

Labcorp Genetics (formerly Invitae), Labcorp
Classification: Benign. Last evaluated: 2026-01-28. Review status: criteria provided, single submitter. Criteria: Invitae Variant Classification Sherloc (09022015). Collection method: clinical testing. Allele origin: germline.

Blueprint Genetics
Classification: Likely benign. Last evaluated: 2024-07-30. Review status: criteria provided, single submitter. Criteria: ACMG Guidelines, 2015. Collection method: clinical testing. Allele origin: germline.

GeneDx
Classification: Likely benign. Last evaluated: 2020-10-08. Review status: criteria provided, single submitter. Criteria: GeneDx Variant Classification Process June 2021. Collection method: clinical testing. Allele origin: germline. Affected: yes.

Breakthrough Genomics
Classification: Likely benign. Review status: criteria provided, single submitter. Criteria: ACMG Guidelines, 2015. Collection method: not provided. Allele origin: germline. Inheritance: Autosomal recessive inheritance. Affected: yes.

PreventionGenetics, part of Exact Sciences
Classification: Benign for NALCN-related condition. Last evaluated: 2024-03-26. Review status: no assertion criteria provided. Collection method: clinical testing. Allele origin: germline. Not counted in ClinVar's aggregate classification.
Comment: This variant is classified as benign based on ACMG/AMP sequence variant interpretation guidelines (Richards et al. 2015 PMID: 25741868, with internal and published modifications).

NM_052867.4(NALCN):c.3138C>T (p.Cys1046=)

Gene: NALCN (sodium leak channel, non-selective; minus strand). Cytogenetic location: 13q33.1.
Variant type: single nucleotide variant.
Coding change: c.3138C>T on transcript NM_052867.4 (MANE Select); coding-DNA position 3138, C replaced by T.
Protein change: p.Cys1046=; no amino-acid change (cysteine 1046 retained).
Molecular consequence: synonymous variant.
Genome position (GRCh38, 1-based): chr13:101,100,808, G>A on the plus strand (C>T on the coding strand, the complement: NALCN is on the minus strand). VCF-style: chr13-101100808-G-A. GRCh37 (hg19) VCF-style: chr13-101753159-G-A.
Other names: c.3225C>T, p.Cys1075= (NM_001350748.2); c.3138C>T, p.Cys1046= (NM_001350749.2); c.3051C>T, p.Cys1017= (NM_001350750.2, NM_001350751.2).
Identifiers: ClinVar variation 703314 (VCV000703314.15), dbSNP rs114562583, ClinGen allele CA7035490.